The following is an entry in ClinVar:

ClinVar aggregate classification (germline): Uncertain significance (1 of 4 stars; one submission).

Conditions:
Mitochondrial DNA depletion syndrome 9 (MTDPS9). Also called: SUCLG1-Related Mitochondrial DNA Depletion Syndrome, Encephalomyopathic Form with Methylmalonic Aciduria. Identifiers: Orphanet 17, MedGen C3151476, MONDO:0009504, OMIM 245400.

Submission:

Labcorp Genetics (formerly Invitae), Labcorp
Classification: Uncertain significance for Mitochondrial DNA depletion syndrome 9. Last evaluated: 2024-11-05. Review status: criteria provided, single submitter. Criteria: Invitae Variant Classification Sherloc (09022015). Collection method: clinical testing. Allele origin: germline.
Comment: This sequence change affects the initiator methionine of the SUCLG1 mRNA. The next in-frame methionine is located at codon 14. This variant is present in population databases (no rsID available, gnomAD 0.008%). This variant has not been reported in the literature in individuals affected with SUCLG1-related conditions. ClinVar contains an entry for this variant (Variation ID: 2049235). Experimental studies and prediction algorithms are not available or were not evaluated, and the functional significance of this variant is currently unknown. In summary, the available evidence is currently insufficient to determine the role of this variant in disease. Therefore, it has been classified as a Variant of Uncertain Significance.

NM_003849.4(SUCLG1):c.1A>C (p.Met1Leu)

Gene: SUCLG1 (succinate-CoA ligase GDP/ADP-forming subunit alpha; minus strand). Cytogenetic location: 2p11.2.
Variant type: single nucleotide variant.
Coding change: c.1A>C on transcript NM_003849.4 (MANE Select); coding-DNA position 1, A replaced by C.
Protein change: p.Met1Leu; changes the start codon (methionine 1).
Molecular consequence: missense variant, initiator codon variant.
Genome position (GRCh38, 1-based): chr2:84,459,269, T>G on the plus strand (A>C on the coding strand, the complement: SUCLG1 is on the minus strand). VCF-style: chr2-84459269-T-G. GRCh37 (hg19) VCF-style: chr2-84686393-T-G.
Other names: short protein forms M1L.
Identifiers: ClinVar variation 2049235 (VCV002049235.5), dbSNP rs755538280, ClinGen allele CA347518637.